The following is an entry in ClinVar:

ClinVar aggregate classification (germline): Uncertain significance (1 of 4 stars; one submission).

Conditions:
Hereditary cancer-predisposing syndrome. Also called: Tumor predisposition; Hereditary neoplastic syndrome; Neoplastic Syndromes, Hereditary; Hereditary Cancer Syndrome. Identifiers: Orphanet 140162, MedGen C0027672, MeSH D009386, MONDO:0015356.

Submission:

Ambry Genetics
Classification: Uncertain significance for Hereditary cancer-predisposing syndrome. Last evaluated: 2025-05-08. Review status: criteria provided, single submitter. Criteria: Ambry Variant Classification Scheme 2023. Collection method: clinical testing. Allele origin: germline.
Comment: The p.L267V variant (also known as c.799C>G), located in coding exon 7 of the EGFR gene, results from a C to G substitution at nucleotide position 799. The leucine at codon 267 is replaced by valine, an amino acid with highly similar properties. This amino acid position is conserved. In addition, the in silico prediction for this alteration is inconclusive. Based on the available evidence, the clinical significance of this variant remains unclear.

NM_005228.5(EGFR):c.799C>G (p.Leu267Val)

Gene: EGFR (epidermal growth factor receptor; plus strand). Cytogenetic location: 7p11.2.
Variant type: single nucleotide variant.
Coding change: c.799C>G on transcript NM_005228.5 (MANE Select); coding-DNA position 799, C replaced by G.
Protein change: p.Leu267Val; replaces leucine 267 with valine.
Molecular consequence: missense variant. On other transcripts: intron variant (1).
Genome position (GRCh38, 1-based): chr7:55,154,062, C>G. VCF-style: chr7-55154062-C-G. GRCh37 (hg19) VCF-style: chr7-55221755-C-G.
Other names: c.664C>G, p.Leu222Val (NM_001346897.2, NM_001346899.2); c.799C>G, p.Leu267Val (NM_001346898.2, NM_201282.2, NM_201283.2 and 1 more transcripts); c.640C>G, p.Leu214Val (NM_001346900.2); c.89-1768C>G (NM_001346941.2); short protein forms L222V, L267V, L214V.
Identifiers: ClinVar variation 4016768 (VCV004016768.1).
Genomic context (GRCh38, chr7:55,154,062, plus strand): 5'-CCTCCATAGGTCTGCCGCAAATTCCGAGACGAAGCCACGTGCAAGGACACCTGCCCCCCA[C>G]TCATGCTCTACAACCCCACCACGTACCAGATGGATGTGAACCCCGAGGGCAAATACAGCT-3'
Protein context (NP_005219.2, residues 257-277): EATCKDTCPP[Leu267Val]MLYNPTTYQM